The following is an entry in ClinVar:

NM_000465.4(BARD1):c.236T>C (p.Ile79Thr)

Gene: BARD1 (BRCA1 associated RING domain 1; minus strand). Cytogenetic location: 2q35.
Variant type: single nucleotide variant.
Coding change: c.236T>C on transcript NM_000465.4 (MANE Select); coding-DNA position 236, T replaced by C.
Protein change: p.Ile79Thr; replaces isoleucine 79 with threonine.
Molecular consequence: missense variant. On other transcripts: non-coding transcript variant (1), intron variant (2).
Genome position (GRCh38, 1-based): chr2:214,792,425, A>G on the plus strand (T>C on the coding strand, the complement: BARD1 is on the minus strand). VCF-style: chr2-214792425-A-G. GRCh37 (hg19) VCF-style: chr2-215657149-A-G.
Other names: c.179T>C, p.Ile60Thr (NM_001282543.2); c.236T>C, p.Ile79Thr (NM_001282549.2); c.158+16987T>C (NM_001282548.2); c.215+4636T>C (NM_001282545.2); short protein forms I79T, I60T.
Identifiers: ClinVar variation 1047159 (VCV001047159.9), dbSNP rs1695566939, ClinGen allele CA350461271.
Genomic context (GRCh38, chr2:214,792,425, plus strand): 5'-CTATTTATCTTCAAGTCTTGTATCCAGGCCGGGGTGTAACACACTGGACATCCAGTTCCA[A>G]TGCAGTCACTTACACAATTACTTTAAAATAATTAAAAAAAAAAAAAAAAGCAACCCATTC-3'
Protein context (NP_000456.2, residues 69-89): IFCSNCVSDC[Ile79Thr]GTGCPVCYTP

ClinVar aggregate classification (germline): Uncertain significance (1 of 4 stars; one submission).

Conditions:
Familial cancer of breast. Also called: Hereditary breast cancer; hereditary breast carcinoma; BREAST CANCER, FAMILIAL. Identifiers: Orphanet 227535, MedGen C0346153, MONDO:0016419, OMIM 114480. Disease mechanism: loss of function.

Submission:

Labcorp Genetics (formerly Invitae), Labcorp
Classification: Uncertain significance for Familial cancer of breast. Last evaluated: 2024-04-15. Review status: criteria provided, single submitter. Criteria: Invitae Variant Classification Sherloc (09022015). Collection method: clinical testing. Allele origin: germline.
Comment: This sequence change replaces isoleucine, which is neutral and non-polar, with threonine, which is neutral and polar, at codon 79 of the BARD1 protein (p.Ile79Thr). This variant is not present in population databases (gnomAD no frequency). This variant has not been reported in the literature in individuals affected with BARD1-related conditions. ClinVar contains an entry for this variant (Variation ID: 1047159). An algorithm developed to predict the effect of missense changes on protein structure and function (PolyPhen-2) suggests that this variant is likely to be tolerated. In summary, the available evidence is currently insufficient to determine the role of this variant in disease. Therefore, it has been classified as a Variant of Uncertain Significance.